The following is an entry in ClinVar:

NM_000125.4(ESR1):c.936C>T (p.Ala312=)

Gene: ESR1 (estrogen receptor 1; plus strand). Cytogenetic location: 6q25.1.
Variant type: single nucleotide variant.
Coding change: c.936C>T on transcript NM_000125.4 (MANE Select); coding-DNA position 936, C replaced by T.
Protein change: p.Ala312=; no amino-acid change (alanine 312 retained).
Molecular consequence: synonymous variant.
Genome position (GRCh38, 1-based): chr6:151,944,348, C>T. VCF-style: chr6-151944348-C-T. GRCh37 (hg19) VCF-style: chr6-152265483-C-T.
Other names: c.936C>T, p.Ala312= (NM_001122740.2, NM_001122741.2, NM_001122742.2 and 5 more transcripts); c.942C>T, p.Ala314= (NM_001291230.2); c.933C>T, p.Ala311= (NM_001291241.2); c.417C>T, p.Ala139= (NM_001328100.2).
Identifiers: ClinVar variation 710434 (VCV000710434.4), dbSNP rs375030142, ClinGen allele CA4052336.
Genomic context (GRCh38, chr6:151,944,348, plus strand): 5'-GCCAAGCCCGCTCATGATCAAACGCTCTAAGAAGAACAGCCTGGCCTTGTCCCTGACGGC[C>T]GACCAGATGGTCAGTGCCTTGTTGGATGCTGAGCCCCCGATACTCTATTCCGAGTATGAT-3'
Protein context (NP_000116.2, residues 302-322): KKNSLALSLT[Ala312=]DQMVSALLDA

ClinVar aggregate classification (germline): Likely benign. Review status: criteria provided, multiple submitters, no conflicts (2 of 4 stars). 2 submissions from 2 submitters: Likely benign (2). Last evaluated 2026-07-01.

Allele frequency attached by ClinVar (database versions not stated): gnomAD 0.00005 and 0.00006; TOPMed 0.00005; ESP Exome Variant Server 0.00008; ExAC 0.00009; gnomAD exomes 0.00010 and 0.00012.
gnomAD v4.1: 177 of 1,613,990 alleles (0.011%); highest among the groups gnomAD compares: Admixed American, 0.013%; no homozygotes.

Submissions (2):

CeGaT Center for Human Genetics Tuebingen
Classification: Likely benign. Last evaluated: 2026-07-01. Review status: criteria provided, single submitter. Criteria: CeGaT Center For Human Genetics Tuebingen Variant Classification Criteria Version 2. Collection method: clinical testing. Allele origin: germline. Affected: yes. Observed: 1 variant allele.
Comment: ESR1: BP4, BP7

Labcorp Genetics (formerly Invitae), Labcorp
Classification: Likely benign. Last evaluated: 2018-07-06. Review status: criteria provided, single submitter. Criteria: Invitae Variant Classification Sherloc (09022015). Collection method: clinical testing. Allele origin: germline.